The following is an entry in ClinVar:

NM_031885.5(BBS2):c.685T>C (p.Tyr229His)

Gene: BBS2 (Bardet-Biedl syndrome 2; minus strand). Cytogenetic location: 16q13.
Variant type: single nucleotide variant.
Coding change: c.685T>C on transcript NM_031885.5 (MANE Select); coding-DNA position 685, T replaced by C.
Protein change: p.Tyr229His; replaces tyrosine 229 with histidine.
Molecular consequence: missense variant. On other transcripts: non-coding transcript variant (5).
Genome position (GRCh38, 1-based): chr16:56,506,152, A>G on the plus strand (T>C on the coding strand, the complement: BBS2 is on the minus strand). VCF-style: chr16-56506152-A-G. GRCh37 (hg19) VCF-style: chr16-56540064-A-G.
Other names: c.685T>C, p.Tyr229His (NM_001377456.1); short protein forms Y229H.
Identifiers: ClinVar variation 813999 (VCV000813999.10), dbSNP rs778543585, ClinGen allele CA8065964.

ClinVar aggregate classification (germline): Conflicting classifications of pathogenicity. Review status: criteria provided, conflicting classifications (1 of 4 stars). 7 submissions from 7 submitters: Likely pathogenic (2); Uncertain significance (3). 2 of the submissions do not count toward it. Last evaluated 2024-04-19.

Conditions:
Bardet-Biedl syndrome 2 (BBS2). Identifiers: Orphanet 110, MedGen C2936863, MONDO:0014432, OMIM 615981.
Retinitis pigmentosa 74 (RP74). Identifiers: Orphanet 791, MedGen C4225281, MONDO:0014692, OMIM 616562.
Bardet-Biedl syndrome (BBS). Identifiers: Orphanet 110, MedGen C0752166, MONDO:0015229.
BBS2-related disorder. Also called: BBS2-related condition; BBS2-related disorders. Identifiers: MedGen CN239228.

Allele frequency attached by ClinVar (database versions not stated): ExAC 0.00002; gnomAD 0.00002; gnomAD exomes 0.00002; TOPMed 0.00002.
gnomAD v4.1: 135 of 1,613,958 alleles (0.0084%); highest among the groups gnomAD compares: Non-Finnish European, 0.011%; no homozygotes.

Submissions (7):

Labcorp Genetics (formerly Invitae), Labcorp
Classification: Uncertain significance for Bardet-Biedl syndrome. Last evaluated: 2024-04-19. Review status: criteria provided, single submitter. Criteria: Invitae Variant Classification Sherloc (09022015). Collection method: clinical testing. Allele origin: germline.
Comment: This sequence change replaces tyrosine, which is neutral and polar, with histidine, which is basic and polar, at codon 229 of the BBS2 protein (p.Tyr229His). This variant is present in population databases (rs778543585, gnomAD 0.004%). This missense change has been observed in individual(s) with clinical features of BBS2-related conditions (PMID: 31054281). ClinVar contains an entry for this variant (Variation ID: 813999). Advanced modeling of protein sequence and biophysical properties (such as structural, functional, and spatial information, amino acid conservation, physicochemical variation, residue mobility, and thermodynamic stability) performed at Invitae indicates that this missense variant is expected to disrupt BBS2 protein function with a positive predictive value of 80%. In summary, the available evidence is currently insufficient to determine the role of this variant in disease. Therefore, it has been classified as a Variant of Uncertain Significance.

Fulgent Genetics
Classification: Uncertain significance for Bardet-Biedl syndrome 2; Retinitis pigmentosa 74. Last evaluated: 2023-12-27. Review status: criteria provided, single submitter. Criteria: ACMG Guidelines, 2015. Collection method: clinical testing. Allele origin: germline.

GeneDx
Classification: Uncertain significance. Last evaluated: 2023-04-24. Review status: criteria provided, single submitter. Criteria: GeneDx Variant Classification Process June 2021. Collection method: clinical testing. Allele origin: germline. Affected: yes.
Comment: Identified in a cohort of patients with clinically suspected inherited retinitis pigmentosa in published literature, but additional evidence is not available (Gao et al., 2019); In silico analysis supports that this missense variant has a deleterious effect on protein structure/function; This variant is associated with the following publications: (PMID: 31054281)

Broad Center for Mendelian Genomics, Broad Institute of MIT and Harvard
Classification: Likely pathogenic for Retinitis pigmentosa 74. Last evaluated: 2018-12-03. Review status: criteria provided, single submitter. Criteria: ACMG Guidelines, 2015. Collection method: research. Allele origin: de novo. Inheritance: Autosomal recessive inheritance. Affected: yes.
Comment: Trio exome analysis showed this variant to be de novo. The p.Tyr229His variant in BBS2 has not been previously reported in individuals with retinitis pigmentosa but has been identified in 0.002527% (7/277022) of chromosomes by the Genome Aggregation Database (gnomAD; dbSNP rs778543585). Although this variant has been seen in the general population, its frequency is low enough to be consistent with a recessive carrier frequency. Computational prediction tools and conservation analyses suggest that this variant may impact the protein, though this information is not predictive enough to determine pathogenicity. In summary, although additional studies are required to fully establish its clinical significance, this variant is likely pathogenic. ACMG/AMP Criteria applied: PM2, PP3, PS2 (Richards 2015).

Juno Genomics, Hangzhou Juno Genomics, Inc
Classification: Likely pathogenic for Bardet-Biedl syndrome 2; Retinitis pigmentosa 74. Review status: criteria provided, single submitter. Criteria: ACMG Guidelines, 2015. Collection method: clinical testing. Allele origin: germline.
Comment: Absent from controls (or at extremely low frequency if recessive) in Genome Aggregation Database.;Multiple lines of computational evidence support a deleterious effect on the gene or gene product.;For recessive disorders, detected in trans with a pathogenic variant.

PreventionGenetics, part of Exact Sciences
Classification: Uncertain significance for BBS2-related condition. Last evaluated: 2024-08-05. Review status: no assertion criteria provided. Collection method: clinical testing. Allele origin: germline. Not counted in ClinVar's aggregate classification.
Comment: The BBS2 c.685T>C variant is predicted to result in the amino acid substitution p.Tyr229His. This variant was identified an apparently compound heterozygous state in two individuals with retinitis pigmentosa (Supplement 3 in Li et al. 2023. PubMed ID: 36729443; ClinVar Accession ID: SCV001164564.1). This variant was also documented in a cohort of patients with suspected retinitis pigmentosa (Gao et al. 2019. PubMed ID: 31054281, Table S2); however, no additional studies were performed to help assess the pathogenicity of this variant. This variant is reported in 0.0040% of alleles in individuals of African descent in gnomAD. Although we suspect that this variant may be pathogenic, at this time, the clinical significance of this variant is uncertain due to the absence of conclusive functional and genetic evidence.

Natera, Inc.
Classification: Uncertain significance for Bardet-Biedl syndrome type 2. Last evaluated: 2020-02-13. Review status: no assertion criteria provided. Collection method: clinical testing. Allele origin: germline. Not counted in ClinVar's aggregate classification.

Literature cited by the submitters: PubMed 31054281 (cited by Labcorp Genetics (formerly Invitae), Labcorp).